The following is an entry in ClinVar:

NM_000059.4(BRCA2):c.1713del (p.Ser571_Val572insTer)

Gene: BRCA2 (BRCA2 DNA repair associated; plus strand). Cytogenetic location: 13q13.1.
Variant type: Deletion.
Coding change: c.1713del on transcript NM_000059.4 (MANE Select); coding-DNA position 1713, one base deleted (T; older notation c.1713delT).
Protein change: p.Ser571_Val572insTer.
Molecular consequence: frameshift variant. On other transcripts: non-coding transcript variant (1), intron variant (1).
Genome position (GRCh38, 1-based): chr13:32,333,191, T deleted. VCF-style (leftmost placement, unchanged base first): chr13-32333190-CT-C. GRCh37 (hg19) VCF-style: chr13-32907327-CT-C.
Other names: c.1713del, p.Ser571_Val572insTer (NM_001406719.1, NM_001406720.1, NM_001406721.1); c.424+2161del (NM_001406722.1).
Identifiers: ClinVar variation 2674520 (VCV002674520.1), dbSNP rs2548520865, ClinGen allele CA2695199254.

ClinVar aggregate classification (germline): Pathogenic (1 of 4 stars; one submission).

Conditions:
Breast-ovarian cancer, familial, susceptibility to, 2 (BROVCA2). Also called: BRCA2 Hereditary Breast and Ovarian Cancer. Identifiers: Orphanet 145, MedGen C2675520, MONDO:0012933, OMIM 612555. Disease mechanism: loss of function.

Submission:

Myriad Genetics, Inc.
Classification: Pathogenic for Breast-ovarian cancer, familial, susceptibility to, 2. Last evaluated: 2023-08-18. Review status: criteria provided, single submitter. Criteria: Myriad Autosomal Dominant, Autosomal Recessive and X-Linked Classification Criteria (2023). Collection method: clinical testing. Allele origin: unknown.
Comment: This variant is considered pathogenic. This variant creates a termination codon and is predicted to result in premature protein truncation.